The following is an entry in ClinVar:

ClinVar aggregate classification (germline): not provided (0 of 4 stars; one submission).

Submission:

ITMI
No classification provided. Condition: AllHighlyPenetrant. Last evaluated: 2013-09-19. Review status: no classification provided. Collection method: reference population. Allele origin: germline.
Comment: Please see associated publication for description of ethnicities

Literature cited by the submitters: PubMed 24728327.

NM_000369.5(TSHR):c.692+154_692+156delinsTTT

Genes: TSHR (thyroid stimulating hormone receptor; plus strand), TSHR-AS1 (TSHR antisense RNA 1; minus strand). Cytogenetic location: 14q31.1.
Variant type: Indel.
Coding change: c.692+154_692+156delinsTTT on transcript NM_000369.5 (MANE Select); bases 154 to 156 of the intron after coding-DNA position 692, GTA replaced by TTT.
Molecular consequence: intron variant. On other transcripts: missense variant (1).
Genome position (GRCh38, 1-based): chr14:81,108,606-81,108,608, GTA replaced by TTT. VCF-style: chr14-81108606-GTA-TTT. GRCh37 (hg19) VCF-style: chr14-81574950-GTA-TTT.
Other names: c.750_752delinsTTT, p.Tyr251Phe (NM_001142626.3); c.693-6_693-4delinsTTT (NM_001018036.3); short protein forms Y251F.
Identifiers: ClinVar variation 135404 (VCV000135404.1), dbSNP rs587778743, ClinGen allele CA162660.